The following is an entry in ClinVar:

NM_000213.5(ITGB4):c.1039G>A (p.Val347Met)

Gene: ITGB4 (integrin subunit beta 4; plus strand). Cytogenetic location: 17q25.1.
Variant type: single nucleotide variant.
Coding change: c.1039G>A on transcript NM_000213.5 (MANE Select); coding-DNA position 1039, G replaced by A.
Protein change: p.Val347Met; replaces valine 347 with methionine.
Molecular consequence: missense variant.
Genome position (GRCh38, 1-based): chr17:75,730,911, G>A. VCF-style: chr17-75730911-G-A. GRCh37 (hg19) VCF-style: chr17-73726992-G-A.
Other names: c.1039G>A, p.Val347Met (NM_001005619.2, NM_001005731.3, NM_001321123.2); short protein forms V347M.
Identifiers: ClinVar variation 1005858 (VCV001005858.5), dbSNP rs374688114, ClinGen allele CA8768856.

ClinVar aggregate classification (germline): Uncertain significance. Review status: criteria provided, multiple submitters, no conflicts (2 of 4 stars). 2 submissions from 2 submitters: Uncertain significance (2). Last evaluated 2024-01-18.

Conditions:
Inborn genetic diseases. Identifiers: MedGen C0950123, MeSH D030342.

Allele frequency attached by ClinVar (database versions not stated): TOPMed 0.00002; gnomAD 0.00003 and 0.00004; ESP Exome Variant Server 0.00008.
gnomAD v4.1: 33 of 1,613,734 alleles (0.002%); highest among the groups gnomAD compares: Admixed American, 0.045%; no homozygotes.

Submissions (2):

Labcorp Genetics (formerly Invitae), Labcorp
Classification: Uncertain significance. Last evaluated: 2024-01-18. Review status: criteria provided, single submitter. Criteria: Invitae Variant Classification Sherloc (09022015). Collection method: clinical testing. Allele origin: germline.
Comment: This sequence change replaces valine, which is neutral and non-polar, with methionine, which is neutral and non-polar, at codon 347 of the ITGB4 protein (p.Val347Met). This variant is present in population databases (rs374688114, gnomAD 0.05%). This variant has not been reported in the literature in individuals affected with ITGB4-related conditions. ClinVar contains an entry for this variant (Variation ID: 1005858). Advanced modeling of protein sequence and biophysical properties (such as structural, functional, and spatial information, amino acid conservation, physicochemical variation, residue mobility, and thermodynamic stability) performed at Invitae indicates that this missense variant is not expected to disrupt ITGB4 protein function with a negative predictive value of 80%. In summary, the available evidence is currently insufficient to determine the role of this variant in disease. Therefore, it has been classified as a Variant of Uncertain Significance.

Ambry Genetics
Classification: Uncertain significance for Inborn genetic diseases. Last evaluated: 2023-12-28. Review status: criteria provided, single submitter. Criteria: Ambry Variant Classification Scheme 2023. Collection method: clinical testing. Allele origin: germline.